The following is an entry in ClinVar:

ClinVar aggregate classification (germline): Uncertain significance (1 of 4 stars; one submission).

Conditions:
Hereditary cancer-predisposing syndrome. Also called: Neoplastic Syndromes, Hereditary; Hereditary Cancer Syndrome; Tumor predisposition; Hereditary neoplastic syndrome. Identifiers: Orphanet 140162, MedGen C0027672, MeSH D009386, MONDO:0015356.

gnomAD v4.1: 1 of 1,601,814 alleles (0.000062%); highest among the groups gnomAD compares: Non-Finnish European, 0.000085%; no homozygotes.

Submission:

Ambry Genetics
Classification: Uncertain significance for Hereditary cancer-predisposing syndrome. Last evaluated: 2025-01-23. Review status: criteria provided, single submitter. Criteria: Ambry Variant Classification Scheme 2023. Collection method: clinical testing. Allele origin: germline.
Comment: The p.G514V variant (also known as c.1541G>T), located in coding exon 8 of the RET gene, results from a G to T substitution at nucleotide position 1541. The glycine at codon 514 is replaced by valine, an amino acid with dissimilar properties. This amino acid position is conserved. In addition, the in silico prediction for this alteration is inconclusive. Based on the available evidence, the clinical significance of this variant remains unclear.

NM_020975.6(RET):c.1541G>T (p.Gly514Val)

Gene: RET (ret proto-oncogene; plus strand). Cytogenetic location: 10q11.21.
Variant type: single nucleotide variant.
Coding change: c.1541G>T on transcript NM_020975.6 (MANE Select); coding-DNA position 1541, G replaced by T.
Protein change: p.Gly514Val; replaces glycine 514 with valine.
Molecular consequence: missense variant.
Genome position (GRCh38, 1-based): chr10:43,112,117, G>T. VCF-style: chr10-43112117-G-T. GRCh37 (hg19) VCF-style: chr10-43607565-G-T.
Other names: c.779G>T, p.Gly260Val (NM_001355216.2); c.1541G>T, p.Gly514Val (NM_001406743.1, NM_001406744.1, NM_001406759.1 and 4 more transcripts); c.1412G>T, p.Gly471Val (NM_001406761.1, NM_001406762.1, NM_001406764.1 and 1 more transcripts); c.1253G>T, p.Gly418Val (NM_001406766.1, NM_001406767.1, NM_001406770.1); c.1145G>T, p.Gly382Val (NM_001406769.1, NM_001406772.1); c.1103G>T, p.Gly368Val (NM_001406771.1, NM_001406773.1); c.1016G>T, p.Gly339Val (NM_001406774.1); c.815G>T, p.Gly272Val (NM_001406775.1, NM_001406776.1, NM_001406777.1 and 1 more transcripts); and 5 more; short protein forms G119V, G184V, G272V, G31V, G260V, G339V, G418V, G471V.
Identifiers: ClinVar variation 3788332 (VCV003788332.1).